The following is an entry in ClinVar:

ClinVar aggregate classification (germline): Conflicting classifications of pathogenicity. Review status: criteria provided, conflicting classifications (1 of 4 stars). 4 submissions from 4 submitters: Uncertain significance (3); Likely benign (1). Last evaluated 2025-10-15.

Conditions:
Colorectal cancer, susceptibility to, 12 (CRCS12). Also called: COLORECTAL CANCER, SUSCEPTIBILITY TO, ON CHROMOSOME 12q24. Identifiers: Orphanet 220460, MedGen C3554460, MONDO:0014038, OMIM 615083.
Facial dysmorphism-immunodeficiency-livedo-short stature syndrome. Also called: Facial dysmorphism, immunodeficiency, livedo, and short stature; FILS syndrome. Identifiers: Orphanet 352712, MedGen C3554576, MONDO:0014058, OMIM 615139.
Hereditary cancer-predisposing syndrome. Also called: Tumor predisposition; Neoplastic Syndromes, Hereditary; Hereditary Cancer Syndrome; Hereditary neoplastic syndrome. Identifiers: Orphanet 140162, MedGen C0027672, MeSH D009386, MONDO:0015356.

Allele frequency attached by ClinVar (database versions not stated): TOPMed 0.00001.
gnomAD v4.1: 2 of 1,613,178 alleles (0.00012%); no homozygotes.

Submissions (4):

Labcorp Genetics (formerly Invitae), Labcorp
Classification: Uncertain significance. Last evaluated: 2025-10-15. Review status: criteria provided, single submitter. Criteria: Invitae Variant Classification Sherloc (09022015). Collection method: clinical testing. Allele origin: germline.
Comment: This sequence change replaces aspartic acid, which is acidic and polar, with asparagine, which is neutral and polar, at codon 787 of the POLE protein (p.Asp787Asn). This variant is not present in population databases (gnomAD no frequency). This variant has not been reported in the literature in individuals affected with POLE-related conditions. ClinVar contains an entry for this variant (Variation ID: 240433). Invitae Evidence Modeling of protein sequence and biophysical properties (such as structural, functional, and spatial information, amino acid conservation, physicochemical variation, residue mobility, and thermodynamic stability) indicates that this missense variant is not expected to disrupt POLE protein function with a negative predictive value of 80%. In summary, the available evidence is currently insufficient to determine the role of this variant in disease. Therefore, it has been classified as a Variant of Uncertain Significance.

Ambry Genetics
Classification: Likely benign for Hereditary cancer-predisposing syndrome. Last evaluated: 2025-02-05. Review status: criteria provided, single submitter. Criteria: Ambry Variant Classification Scheme 2023. Collection method: clinical testing. Allele origin: germline.

GeneDx
Classification: Uncertain significance. Last evaluated: 2023-11-26. Review status: criteria provided, single submitter. Criteria: GeneDx Variant Classification Process June 2021. Collection method: clinical testing. Allele origin: germline. Affected: yes.
Comment: Not observed at significant frequency in large population cohorts (gnomAD); In silico analysis supports that this missense variant has a deleterious effect on protein structure/function; Has not been previously published as pathogenic or benign to our knowledge; This variant is associated with the following publications: (PMID: 20951805)

Fulgent Genetics
Classification: Uncertain significance for Colorectal cancer, susceptibility to, 12; Facial dysmorphism-immunodeficiency-livedo-short stature syndrome. Last evaluated: 2018-10-31. Review status: criteria provided, single submitter. Criteria: ACMG Guidelines, 2015. Collection method: clinical testing. Allele origin: unknown.

NM_006231.4(POLE):c.2359G>A (p.Asp787Asn)

Gene: POLE (DNA polymerase epsilon, catalytic subunit; minus strand). Cytogenetic location: 12q24.33.
Variant type: single nucleotide variant.
Coding change: c.2359G>A on transcript NM_006231.4 (MANE Select); coding-DNA position 2359, G replaced by A.
Protein change: p.Asp787Asn; replaces aspartic acid 787 with asparagine.
Molecular consequence: missense variant.
Genome position (GRCh38, 1-based): chr12:132,665,411, C>T on the plus strand (G>A on the coding strand, the complement: POLE is on the minus strand). VCF-style: chr12-132665411-C-T. GRCh37 (hg19) VCF-style: chr12-133241997-C-T.
Other names: short protein forms D787N.
Identifiers: ClinVar variation 240433 (VCV000240433.14), dbSNP rs878854851, ClinGen allele CA10583011.